The following is an entry in ClinVar:

ClinVar aggregate classification (germline): Uncertain significance (1 of 4 stars; one submission).

Conditions:
Neurofibromatosis, type 1 (NF1). Also called: Peripheral type neurofibromatosis; Neurofibromatosis, type I; VON RECKLINGHAUSEN DISEASE; NEUROFIBROMATOSIS, TYPE I, SOMATIC. Identifiers: Orphanet 636, MedGen C0027831, MONDO:0018975, OMIM 162200. Disease mechanism: loss of function.

Submission:

Labcorp Genetics (formerly Invitae), Labcorp
Classification: Uncertain significance for Neurofibromatosis, type 1. Last evaluated: 2022-06-04. Review status: criteria provided, single submitter. Criteria: Invitae Variant Classification Sherloc (09022015). Collection method: clinical testing. Allele origin: germline.
Comment: In summary, the available evidence is currently insufficient to determine the role of this variant in disease. Therefore, it has been classified as a Variant of Uncertain Significance. Advanced modeling of protein sequence and biophysical properties (such as structural, functional, and spatial information, amino acid conservation, physicochemical variation, residue mobility, and thermodynamic stability) performed at Invitae indicates that this missense variant is not expected to disrupt NF1 protein function. ClinVar contains an entry for this variant (Variation ID: 1023372). This variant has not been reported in the literature in individuals affected with NF1-related conditions. This variant is not present in population databases (gnomAD no frequency). This sequence change replaces isoleucine, which is neutral and non-polar, with valine, which is neutral and non-polar, at codon 1804 of the NF1 protein (p.Ile1804Val).

NM_001042492.3(NF1):c.5473A>G (p.Ile1825Val)

Gene: NF1 (neurofibromin 1; plus strand). Cytogenetic location: 17q11.2.
Variant type: single nucleotide variant.
Coding change: c.5473A>G on transcript NM_001042492.3 (MANE Select); coding-DNA position 5473, A replaced by G.
Protein change: p.Ile1825Val; replaces isoleucine 1825 with valine.
Molecular consequence: missense variant.
Genome position (GRCh38, 1-based): chr17:31,327,703, A>G. VCF-style: chr17-31327703-A-G. GRCh37 (hg19) VCF-style: chr17-29654721-A-G.
Other names: c.5410A>G, p.Ile1804Val (NM_000267.4); short protein forms I1804V, I1825V.
Identifiers: ClinVar variation 1023372 (VCV001023372.5), dbSNP rs2069381682, ClinGen allele CA399009519.